The following is an entry in ClinVar:

ClinVar aggregate classification (germline): Pathogenic (1 of 4 stars; one submission).

Conditions:
Duchenne muscular dystrophy (DMD). Also called: MUSCULAR DYSTROPHY, PSEUDOHYPERTROPHIC PROGRESSIVE, DUCHENNE TYPE; Duchenne Muscular Dystrophy (DMD). Identifiers: Orphanet 98896, MedGen C0013264, MONDO:0010679, OMIM 310200.

Submission:

Labcorp Genetics (formerly Invitae), Labcorp
Classification: Pathogenic for Duchenne muscular dystrophy. Last evaluated: 2020-02-07. Review status: criteria provided, single submitter. Criteria: Invitae Variant Classification Sherloc (09022015). Collection method: clinical testing. Allele origin: germline.
Comment: For these reasons, this variant has been classified as Pathogenic. Loss-of-function variants in DMD are known to be pathogenic (PMID: 16770791, 25007885). This variant has been observed in individual(s) with clinical features of DMD-related muscular dystrophy (Invitae). This variant is a gross deletion of the genomic region encompassing exons 1-49 of the DMD gene, which includes the initiator codon. The 5' end of this event is unknown as it extends beyond the assayed region for this gene and therefore may encompass additional genes. The 3' boundary is likely confined to intron 49 of the DMD gene. This is expected to result in an absent or disrupted protein product.

Literature cited by the submitters: PubMed 16770791; PubMed 25007885.

NC_000023.10:g.(?_31854825)_(33229429_?)del

Gene: DMD (dystrophin; minus strand). Cytogenetic location: Xp21.1.
Variant type: Deletion.
Identifiers: ClinVar variation 1071383 (VCV001071383.8).